The following is an entry in ClinVar:

ClinVar aggregate classification (germline): Pathogenic (1 of 4 stars; one submission).

Submission:

Labcorp Genetics (formerly Invitae), Labcorp
Classification: Pathogenic. Last evaluated: 2024-04-08. Review status: criteria provided, single submitter. Criteria: Invitae Variant Classification Sherloc (09022015). Collection method: clinical testing. Allele origin: germline.
Comment: This sequence change creates a premature translational stop signal (p.Arg193Glnfs*22) in the FGD1 gene. It is expected to result in an absent or disrupted protein product. Loss-of-function variants in FGD1 are known to be pathogenic (PMID: 21739585, 23211637, 25046119, 26029706). This variant is not present in population databases (gnomAD no frequency). This variant has not been reported in the literature in individuals affected with FGD1-related conditions. For these reasons, this variant has been classified as Pathogenic.

Literature cited by the submitters: PubMed 21739585; PubMed 23211637; PubMed 25046119; PubMed 26029706.

NM_004463.3(FGD1):c.578del (p.Arg193fs)

Gene: FGD1 (FYVE, RhoGEF and PH domain containing 1; minus strand). Cytogenetic location: Xp11.22.
Variant type: Deletion.
Coding change: c.578del on transcript NM_004463.3 (MANE Select); coding-DNA position 578, one base deleted (G; older notation c.578delG).
Protein change: p.Arg193fs; shifts the reading frame from arginine 193.
Molecular consequence: frameshift variant.
Genome position (GRCh38, 1-based): chrX:54,470,664, C deleted on the plus strand (G on the coding strand, the reverse complement: FGD1 is on the minus strand). VCF-style (leftmost placement, unchanged base first): chrX-54470663-TC-T. GRCh37 (hg19) VCF-style: chrX-54497096-TC-T.
Other names: short protein forms R193fs.
Identifiers: ClinVar variation 2808503 (VCV002808503.3), dbSNP rs2522715770, ClinGen allele CA2739273542.